The following is an entry in ClinVar:

NM_003784.4(SERPINB7):c.157C>T (p.Gln53Ter)

Gene: SERPINB7 (serpin family B member 7; plus strand). Cytogenetic location: 18q21.33.
Variant type: single nucleotide variant.
Coding change: c.157C>T on transcript NM_003784.4 (MANE Select); coding-DNA position 157, C replaced by T.
Protein change: p.Gln53Ter; replaces glutamine 53 with a stop codon.
Molecular consequence: nonsense.
Genome position (GRCh38, 1-based): chr18:63,782,529, C>T. VCF-style: chr18-63782529-C-T. GRCh37 (hg19) VCF-style: chr18-61449763-C-T.
Other names: c.157C>T, p.Gln53Ter (NM_001040147.3, NM_001261830.2, NM_001261831.2); short protein forms Q53*.
Identifiers: ClinVar variation 1323576 (VCV001323576.5), dbSNP rs199555021, ClinGen allele CA8989290.
Genomic context (GRCh38, chr18:63,782,529, plus strand): 5'-CTGAGCCTCTTCGCTGCCCTGGCCCTGGTCCGCTTGGGCGCTCAAGATGACTCCCTCTCT[C>T]AGATTGATAAGGTCAGTCTCAGCTTTTGCAGTTAATCACTGGGACAAATTGTTTTTCCCA-3'

ClinVar aggregate classification (germline): Pathogenic. Review status: criteria provided, multiple submitters, no conflicts (2 of 4 stars). 2 submissions from 2 submitters: Pathogenic (2). Last evaluated 2025-06-12.

Conditions:
Palmoplantar keratoderma, Nagashima type. Identifiers: Orphanet 140966, MedGen C3810072, MONDO:0014272, OMIM 615598.

Allele frequency attached by ClinVar (database versions not stated): gnomAD 0.00005; TOPMed 0.00005; ExAC 0.00007; gnomAD exomes 0.00007 and 0.00010.
gnomAD v4.1: 167 of 1,612,146 alleles (0.01%); highest among the groups gnomAD compares: Non-Finnish European, 0.013%; no homozygotes.

Submissions (2):

Labcorp Genetics (formerly Invitae), Labcorp
Classification: Pathogenic. Last evaluated: 2025-06-12. Review status: criteria provided, single submitter. Criteria: Invitae Variant Classification Sherloc (09022015). Collection method: clinical testing. Allele origin: germline.
Comment: This sequence change creates a premature translational stop signal (p.Gln53*) in the SERPINB7 gene. It is expected to result in an absent or disrupted protein product. Loss-of-function variants in SERPINB7 are known to be pathogenic (PMID: 27569382, 28439958, 30256384). This variant is present in population databases (rs199555021, gnomAD 0.02%). This variant has not been reported in the literature in individuals affected with SERPINB7-related conditions. ClinVar contains an entry for this variant (Variation ID: 1323576). For these reasons, this variant has been classified as Pathogenic.

Revvity Omics, Revvity
Classification: Pathogenic for Palmoplantar keratoderma, Nagashima type. Last evaluated: 2020-02-21. Review status: criteria provided, single submitter. Criteria: ACMG Guidelines, 2015. Collection method: clinical testing. Allele origin: germline.

Literature cited by the submitters: PubMed 27569382 (cited by Labcorp Genetics (formerly Invitae), Labcorp); PubMed 28439958 (cited by Labcorp Genetics (formerly Invitae), Labcorp); PubMed 30256384 (cited by Labcorp Genetics (formerly Invitae), Labcorp).